The following is an entry in ClinVar:

NM_001367607.2(ANKRD30B):c.3810G>A (p.Leu1270=)

Gene: ANKRD30B (ankyrin repeat domain 30B; plus strand). Cytogenetic location: 18p11.21.
Variant type: single nucleotide variant.
Coding change: c.3810G>A on transcript NM_001367607.2 (MANE Select); coding-DNA position 3810, G replaced by A.
Protein change: p.Leu1270=; no amino-acid change (leucine 1270 retained).
Molecular consequence: synonymous variant.
Genome position (GRCh38, 1-based): chr18:14,851,754, G>A. VCF-style: chr18-14851754-G-A. GRCh37 (hg19) VCF-style: chr18-14851753-G-A.
Identifiers: ClinVar variation 2648610 (VCV002648610.24), dbSNP rs576681875, ClinGen allele CA8905173.

ClinVar aggregate classification (germline): Likely benign (1 of 4 stars; one submission).

Allele frequency attached by ClinVar (database versions not stated): 1000 Genomes Project 30x 0.00016; 1000 Genomes Project 0.00020; TOPMed 0.00021; gnomAD 0.00028; gnomAD exomes 0.00030; ExAC 0.00032.
gnomAD v4.1: 450 of 1,551,132 alleles (0.029%); highest among the groups gnomAD compares: Non-Finnish European, 0.037%; 16 homozygotes.

Submission:

CeGaT Center for Human Genetics Tuebingen
Classification: Likely benign. Last evaluated: 2022-05-01. Review status: criteria provided, single submitter. Criteria: CeGaT Center For Human Genetics Tuebingen Variant Classification Criteria Version 2. Collection method: clinical testing. Allele origin: germline. Affected: yes. Observed: 1 variant allele.
Comment: ANKRD30B: BP4, BP7